The following is an entry in ClinVar:

NM_000240.4(MAOA):c.411+12G>A

Gene: MAOA (monoamine oxidase A; plus strand). Cytogenetic location: Xp11.3.
Variant type: single nucleotide variant.
Coding change: c.411+12G>A on transcript NM_000240.4 (MANE Select); 12 bases into the intron after coding-DNA position 411, G replaced by A.
Molecular consequence: intron variant.
Genome position (GRCh38, 1-based): chrX:43,711,988, G>A. VCF-style: chrX-43711988-G-A. GRCh37 (hg19) VCF-style: chrX-43571235-G-A.
Other names: c.12+12G>A (NM_001270458.2).
Identifiers: ClinVar variation 1034122 (VCV001034122.1), dbSNP rs2033703535, ClinGen allele CA2426663174.
Genomic context (GRCh38, chrX:43,711,988, plus strand): 5'-TTTGGATTACAATAATCTGTGGAGGACAATAGATAACATGGGGAAGGAGGTAAAATGTGT[G>A]TTCAGTTTGCACATGACCCATTACTGAAATAACAATGGCAACTGTTTAATATCCTTCCAT-3'

ClinVar aggregate classification (germline): Uncertain significance (1 of 4 stars; one submission).

Conditions:
Brunner syndrome (BRNRS). Identifiers: Orphanet 3057, MedGen C0796275, MONDO:0010379, OMIM 300615.

Submission:

Baylor Genetics
Classification: Uncertain significance for Brunner syndrome. Last evaluated: 2018-02-21. Review status: criteria provided, single submitter. Criteria: ACMG Guidelines, 2015. Collection method: clinical testing. Allele origin: maternal. Affected: yes.
Comment: This variant was determined to be of uncertain significance according to ACMG Guidelines, 2015 [PMID:25741868].